The following is an entry in ClinVar:

NM_032043.3(BRIP1):c.400C>G (p.Leu134Val)

Gene: BRIP1 (BRCA1 interacting DNA helicase 1; minus strand). Cytogenetic location: 17q23.2.
Variant type: single nucleotide variant.
Coding change: c.400C>G on transcript NM_032043.3 (MANE Select); coding-DNA position 400, C replaced by G.
Protein change: p.Leu134Val; replaces leucine 134 with valine.
Molecular consequence: missense variant.
Genome position (GRCh38, 1-based): chr17:61,849,236, G>C on the plus strand (C>G on the coding strand, the complement: BRIP1 is on the minus strand). VCF-style: chr17-61849236-G-C. GRCh37 (hg19) VCF-style: chr17-59926597-G-C.
Other names: short protein forms L134V.
Identifiers: ClinVar variation 1171501 (VCV001171501.4), dbSNP rs876658195, ClinGen allele CA400484578.
Genomic context (GRCh38, chr17:61,849,236, plus strand): 5'-AATCATCATTTTCATCTCTGTATATGGATGCCTGTTTCTTAGCAGATAACTTTGCAGCCA[G>C]AGTGGTTTTTTCAGGGGAGTCTTATATAAGTAATTTAAAAAAAACAGCATAAATAACTTA-3'
Protein context (NP_114432.2, residues 124-144): TCQDSPEKTT[Leu134Val]AAKLSAKKQA

ClinVar aggregate classification (germline): Uncertain significance. Review status: criteria provided, multiple submitters, no conflicts (2 of 4 stars). 2 submissions from 2 submitters: Uncertain significance (2). Last evaluated 2022-08-04.

Conditions:
Hereditary cancer-predisposing syndrome. Also called: Tumor predisposition; Hereditary neoplastic syndrome; Hereditary Cancer Syndrome; Neoplastic Syndromes, Hereditary. Identifiers: Orphanet 140162, MedGen C0027672, MeSH D009386, MONDO:0015356.

Submissions (2):

Ambry Genetics
Classification: Uncertain significance for Hereditary cancer-predisposing syndrome. Last evaluated: 2022-08-04. Review status: criteria provided, single submitter. Criteria: Ambry Variant Classification Scheme 2023. Collection method: clinical testing. Allele origin: germline.
Comment: The p.L134V variant (also known as c.400C>G), located in coding exon 4 of the BRIP1 gene, results from a C to G substitution at nucleotide position 400. The leucine at codon 134 is replaced by valine, an amino acid with highly similar properties. This amino acid position is highly conserved in available vertebrate species. In addition, this alteration is predicted to be tolerated by in silico analysis. Since supporting evidence is limited at this time, the clinical significance of this alteration remains unclear.

Color Diagnostics, LLC DBA Color Health
Classification: Uncertain significance for Hereditary cancer-predisposing syndrome. Last evaluated: 2020-07-27. Review status: criteria provided, single submitter. Criteria: ACMG Guidelines, 2015. Collection method: clinical testing. Allele origin: germline.
Comment: This missense variant replaces leucine with valine at codon 134 of the BRIP1 protein. Computational prediction suggests that this variant may not impact protein structure and function (internally defined REVEL score threshold <= 0.5, PMID: 27666373). To our knowledge, functional studies have not been reported for this variant. This variant has not been reported in individuals affected with hereditary cancer in the literature. This variant has not been identified in the general population by the Genome Aggregation Database (gnomAD). The available evidence is insufficient to determine the role of this variant in disease conclusively. Therefore, this variant is classified as a Variant of Uncertain Significance.